The following is an entry in ClinVar:

ClinVar aggregate classification (germline): Likely pathogenic (1 of 4 stars; one submission).

Allele frequency attached by ClinVar (database versions not stated): ExAC 0.00001; gnomAD 0.00001; TOPMed 0.00001.

Submission:

Labcorp Genetics (formerly Invitae), Labcorp
Classification: Likely pathogenic. Last evaluated: 2023-12-25. Review status: criteria provided, single submitter. Criteria: Invitae Variant Classification Sherloc (09022015). Collection method: clinical testing. Allele origin: germline.
Comment: This sequence change affects a donor splice site in intron 8 of the TK2 gene. It is expected to disrupt RNA splicing. Variants that disrupt the donor or acceptor splice site typically lead to a loss of protein function (PMID: 16199547), and loss-of-function variants in TK2 are known to be pathogenic (PMID: 20421844). This variant is present in population databases (rs759074487, gnomAD 0.007%). This variant has not been reported in the literature in individuals affected with TK2-related conditions. Algorithms developed to predict the effect of sequence changes on RNA splicing suggest that this variant may disrupt the consensus splice site. In summary, the currently available evidence indicates that the variant is pathogenic, but additional data are needed to prove that conclusively. Therefore, this variant has been classified as Likely Pathogenic.

Literature cited by the submitters: PubMed 16199547; PubMed 20421844.

NM_004614.5(TK2):c.618+1G>C

Gene: TK2 (thymidine kinase 2; minus strand). Cytogenetic location: 16q21.
Variant type: single nucleotide variant.
Coding change: c.618+1G>C on transcript NM_004614.5 (MANE Select); the canonical splice donor site of the intron after coding-DNA position 618, G replaced by C.
Molecular consequence: splice donor variant. On other transcripts: intron variant (1).
Genome position (GRCh38, 1-based): chr16:66,517,135, C>G on the plus strand (G>C on the coding strand, the complement: TK2 is on the minus strand). VCF-style: chr16-66517135-C-G. GRCh37 (hg19) VCF-style: chr16-66551038-C-G.
Other names: c.357-3324G>C (NM_001271935.1); c.525+1G>C (NM_001172643.1); c.543+1G>C (NM_001172644.2); c.564+1G>C (NM_001172645.2); c.471+1G>C (NM_001271934.2); c.327+1G>C (NM_001272050.2).
Identifiers: ClinVar variation 2813635 (VCV002813635.3), dbSNP rs759074487, ClinGen allele CA8093623.